The following is an entry in ClinVar:

NM_000702.4(ATP1A2):c.787A>C (p.Thr263Pro)

Gene: ATP1A2 (ATPase Na+/K+ transporting subunit alpha 2; plus strand). Cytogenetic location: 1q23.2.
Variant type: single nucleotide variant.
Coding change: c.787A>C on transcript NM_000702.4 (MANE Select); coding-DNA position 787, A replaced by C.
Protein change: p.Thr263Pro; replaces threonine 263 with proline.
Molecular consequence: missense variant.
Genome position (GRCh38, 1-based): chr1:160,127,590, A>C. VCF-style: chr1-160127590-A-C. GRCh37 (hg19) VCF-style: chr1-160097380-A-C.
Other names: short protein forms T263P.
Identifiers: ClinVar variation 4725899 (VCV004725899.1).

ClinVar aggregate classification (germline): Uncertain significance (1 of 4 stars; one submission).

Conditions:
Familial hemiplegic migraine. Identifiers: MedGen C0338484, MONDO:0000700.

Submission:

Labcorp Genetics (formerly Invitae), Labcorp
Classification: Uncertain significance for Familial hemiplegic migraine. Last evaluated: 2025-09-03. Review status: criteria provided, single submitter. Criteria: Invitae Variant Classification Sherloc (09022015). Collection method: clinical testing. Allele origin: germline.
Comment: This sequence change replaces threonine, which is neutral and polar, with proline, which is neutral and non-polar, at codon 263 of the ATP1A2 protein (p.Thr263Pro). This variant is not present in population databases (gnomAD no frequency). This variant has not been reported in the literature in individuals affected with ATP1A2-related conditions. Invitae Evidence Modeling of protein sequence and biophysical properties (such as structural, functional, and spatial information, amino acid conservation, physicochemical variation, residue mobility, and thermodynamic stability) indicates that this missense variant is expected to disrupt ATP1A2 protein function with a positive predictive value of 80%. This variant disrupts the p.Thr263 amino acid residue in ATP1A2. Other variant(s) that disrupt this residue have been determined to be pathogenic (PMID: 16088919, 18728015, 22117059; internal data). This suggests that this residue is clinically significant, and that variants that disrupt this residue are likely to be disease-causing. In summary, the available evidence is currently insufficient to determine the role of this variant in disease. Therefore, it has been classified as a Variant of Uncertain Significance.

Literature cited by the submitters: PubMed 16088919; PubMed 18728015; PubMed 22117059.